The following is an entry in ClinVar:

ClinVar aggregate classification (germline): Conflicting classifications of pathogenicity. Review status: criteria provided, conflicting classifications (1 of 4 stars). 3 submissions from 3 submitters: Uncertain significance (2); Likely benign (1). Last evaluated 2024-10-02.

Conditions:
Juvenile polyposis syndrome (JPS). Identifiers: Orphanet 2929, MedGen C0345893, MONDO:0017380, OMIM 174900.
Polyposis syndrome, hereditary mixed, 2. Identifiers: Orphanet 157794, MedGen C1864730, MONDO:0012405, OMIM 610069.
Hereditary cancer-predisposing syndrome. Also called: Neoplastic Syndromes, Hereditary; Tumor predisposition; Hereditary Cancer Syndrome; Hereditary neoplastic syndrome. Identifiers: Orphanet 140162, MedGen C0027672, MeSH D009386, MONDO:0015356.

Submissions (3):

Ambry Genetics
Classification: Likely benign for Hereditary cancer-predisposing syndrome. Last evaluated: 2024-10-02. Review status: criteria provided, single submitter. Criteria: Ambry Variant Classification Scheme 2023. Collection method: clinical testing. Allele origin: germline.

Baylor Genetics
Classification: Uncertain significance for Polyposis syndrome, hereditary mixed, 2. Last evaluated: 2024-02-29. Review status: criteria provided, single submitter. Criteria: ACMG Guidelines, 2015. Collection method: clinical testing. Allele origin: unknown.

Labcorp Genetics (formerly Invitae), Labcorp
Classification: Uncertain significance for Juvenile polyposis syndrome. Last evaluated: 2023-02-10. Review status: criteria provided, single submitter. Criteria: Invitae Variant Classification Sherloc (09022015). Collection method: clinical testing. Allele origin: germline.
Comment: This variant is not present in population databases (gnomAD no frequency). This sequence change replaces serine, which is neutral and polar, with glycine, which is neutral and non-polar, at codon 182 of the BMPR1A protein (p.Ser182Gly). This variant has not been reported in the literature in individuals affected with BMPR1A-related conditions. ClinVar contains an entry for this variant (Variation ID: 1747588). Advanced modeling of protein sequence and biophysical properties (such as structural, functional, and spatial information, amino acid conservation, physicochemical variation, residue mobility, and thermodynamic stability) performed at Invitae indicates that this missense variant is not expected to disrupt BMPR1A protein function. In summary, the available evidence is currently insufficient to determine the role of this variant in disease. Therefore, it has been classified as a Variant of Uncertain Significance.

NM_004329.3(BMPR1A):c.544A>G (p.Ser182Gly)

Gene: BMPR1A (bone morphogenetic protein receptor type 1A; plus strand). Cytogenetic location: 10q23.2.
Variant type: single nucleotide variant.
Coding change: c.544A>G on transcript NM_004329.3 (MANE Select); coding-DNA position 544, A replaced by G.
Protein change: p.Ser182Gly; replaces serine 182 with glycine.
Molecular consequence: missense variant.
Genome position (GRCh38, 1-based): chr10:86,912,253, A>G. VCF-style: chr10-86912253-A-G. GRCh37 (hg19) VCF-style: chr10-88672010-A-G.
Other names: c.619A>G, p.Ser207Gly (NM_001406559.1); c.592A>G, p.Ser198Gly (NM_001406560.1); c.544A>G, p.Ser182Gly (NM_001406561.1, NM_001406562.1, NM_001406563.1 and 20 more transcripts); c.460A>G, p.Ser154Gly (NM_001406584.1, NM_001406585.1, NM_001406586.1 and 2 more transcripts); short protein forms S182G, S198G, S207G, S154G.
Identifiers: ClinVar variation 1747588 (VCV001747588.7), dbSNP rs2539571913, ClinGen allele CA377454158.
Genomic context (GRCh38, chr10:86,912,253, plus strand): 5'-TATAGTTTTTCATTTTTAATGTAGATTGTTTTCTGCTTTTTTAAAAGACATTATTGCAAG[A>G]GCATCTCAAGCAGACGTCGTTACAATCGTGATTTGGAACAGGATGAAGCATTTATTCCAG-3'
Protein context (NP_004320.2, residues 172-192): SCFCYKHYCK[Ser182Gly]ISSRRRYNRD